The following is an entry in ClinVar:

ClinVar aggregate classification (germline): Uncertain significance (1 of 4 stars; one submission).

Submission:

Labcorp Genetics (formerly Invitae), Labcorp
Classification: Uncertain significance. Last evaluated: 2024-03-11. Review status: criteria provided, single submitter. Criteria: Invitae Variant Classification Sherloc (09022015). Collection method: clinical testing. Allele origin: germline.
Comment: This sequence change replaces arginine, which is basic and polar, with glycine, which is neutral and non-polar, at codon 78 of the GRM6 protein (p.Arg78Gly). This variant is not present in population databases (gnomAD no frequency). This variant has not been reported in the literature in individuals affected with GRM6-related conditions. ClinVar contains an entry for this variant (Variation ID: 1506483). Advanced modeling of protein sequence and biophysical properties (such as structural, functional, and spatial information, amino acid conservation, physicochemical variation, residue mobility, and thermodynamic stability) performed at Invitae indicates that this missense variant is not expected to disrupt GRM6 protein function with a negative predictive value of 80%. In summary, the available evidence is currently insufficient to determine the role of this variant in disease. Therefore, it has been classified as a Variant of Uncertain Significance.

NM_000843.4(GRM6):c.232C>G (p.Arg78Gly)

Gene: GRM6 (glutamate metabotropic receptor 6; minus strand). Cytogenetic location: 5q35.3.
Variant type: single nucleotide variant.
Coding change: c.232C>G on transcript NM_000843.4 (MANE Select); coding-DNA position 232, C replaced by G.
Protein change: p.Arg78Gly; replaces arginine 78 with glycine.
Molecular consequence: missense variant.
Genome position (GRCh38, 1-based): chr5:178,994,713, G>C on the plus strand (C>G on the coding strand, the complement: GRM6 is on the minus strand). VCF-style: chr5-178994713-G-C. GRCh37 (hg19) VCF-style: chr5-178421714-G-C.
Other names: short protein forms R78G.
Identifiers: ClinVar variation 1506483 (VCV001506483.6), dbSNP rs756816209, ClinGen allele CA362436801.